The following is an entry in ClinVar:

ClinVar aggregate classification (germline): Likely benign (1 of 4 stars; one submission).

Conditions:
Nail-patella syndrome (NPS). Also called: FONG DISEASE; ONYCHOOSTEODYSPLASIA; TURNER-KIESER SYNDROME. Identifiers: Orphanet 2614, MedGen C0027341, MONDO:0008061, OMIM 161200.

Allele frequency attached by ClinVar (database versions not stated): gnomAD 0.00009 and 0.00014; TOPMed 0.00014; 1000 Genomes Project 0.00080; 1000 Genomes Project 30x 0.00094.

Submission:

Illumina Laboratory Services, Illumina
Classification: Likely benign for Nail-patella syndrome. Last evaluated: 2018-01-13. Review status: criteria provided, single submitter. Criteria: ICSL Variant Classification Criteria 13 December 2019. Collection method: clinical testing. Allele origin: germline.
Comment: This variant was observed in the ICSL laboratory as part of a predisposition screen in an ostensibly healthy population. It had not been previously curated by ICSL or reported in the Human Gene Mutation Database (HGMD: prior to June 1st, 2018), and was therefore a candidate for classification through an automated scoring system. Utilizing variant allele frequency, disease prevalence and penetrance estimates, and inheritance mode, an automated score was calculated to assess if this variant is too frequent to cause the disease. Based on the score and internal cut-off values, a variant classified as likely benign is not then subjected to further curation. The score for this variant resulted in a classification of likely benign for this disease.

NM_001174147.2(LMX1B):c.*2739C>A

Gene: LMX1B (LIM homeobox transcription factor 1 beta; plus strand). Cytogenetic location: 9q33.3.
Variant type: single nucleotide variant.
Coding change: c.*2739C>A on transcript NM_001174147.2 (MANE Select); 2739 bases downstream of the stop codon, C replaced by A.
Molecular consequence: 3 prime UTR variant.
Genome position (GRCh38, 1-based): chr9:126,699,190, C>A. VCF-style: chr9-126699190-C-A. GRCh37 (hg19) VCF-style: chr9-129461469-C-A.
Other names: c.*2739C>A (NM_001174146.2, NM_002316.4).
Identifiers: ClinVar variation 913124 (VCV000913124.4), dbSNP rs145602359, ClinGen allele CA199820267.
Genomic context (GRCh38, chr9:126,699,190, plus strand): 5'-CCCTTCTCTCTCAGACCCAATAAGTTGGAAGGGACGTCAGAAGCGGTCATCTCATCTGCC[C>A]CTTATTTTATAGTTGGAAACCCTGAGGCAAGAGAGGGAAAGAGGCCTGTCCAAGGTCCGG-3'